The following is an entry in ClinVar:

ClinVar aggregate classification (germline): Likely benign. Review status: criteria provided, multiple submitters, no conflicts (2 of 4 stars). 2 submissions from 2 submitters: Likely benign (2). Last evaluated 2026-05-14.

Conditions:
Alpha thalassemia-X-linked intellectual disability syndrome (ATRX). Also called: ALPHA-THALASSEMIA/MENTAL RETARDATION SYNDROME, X-LINKED; ATR, NONDELETION TYPE; ATR-X syndrome; Alpha thalassemia mental retardation syndrome, nondeletion type, X-linked; XLMR hypotonic face syndrome; X-linked alpha-thalassemia-mental retardation syndrome. Identifiers: Orphanet 847, MedGen C1845055, MONDO:0010519, OMIM 301040.

Allele frequency attached by ClinVar (database versions not stated): gnomAD exomes below 0.00001; TOPMed below 0.00001; gnomAD 0.00001.
gnomAD v4.1: 5 of 1,205,268 alleles (0.00041%); highest among the groups gnomAD compares: Non-Finnish European, 0.00034%; no homozygotes.

Submissions (2):

Women's Health and Genetics/Laboratory Corporation of America, LabCorp
Classification: Likely benign. Last evaluated: 2026-05-14. Review status: criteria provided, single submitter. Criteria: LabCorp Variant Classification Summary - May 2015. Collection method: clinical testing. Allele origin: germline.
Comment: Variant summary: ATRX c.2422C>A results in a synonymous change. Consensus agreement among computation tools predict no significant impact on normal splicing. However, these predictions have yet to be confirmed by functional studies. The variant allele was found at a frequency of 4.1e-06 in 1205268 control chromosomes. The available data on variant occurrences in the general population are insufficient to allow any conclusion about variant significance. To our knowledge, no occurrence of c.2422C>A in individuals affected with ATRX-related conditions and no experimental evidence demonstrating its impact on protein function have been reported. ClinVar contains an entry for this variant (Variation ID: 1115449). Based on the evidence outlined above, the variant was classified as likely benign.

Labcorp Genetics (formerly Invitae), Labcorp
Classification: Likely benign for Alpha thalassemia-X-linked intellectual disability syndrome. Last evaluated: 2024-09-13. Review status: criteria provided, single submitter. Criteria: Invitae Variant Classification Sherloc (09022015). Collection method: clinical testing. Allele origin: germline.

NM_000489.6(ATRX):c.2422C>A (p.Arg808=)

Gene: ATRX (ATRX chromatin remodeler; minus strand). Cytogenetic location: Xq21.1.
Variant type: single nucleotide variant.
Coding change: c.2422C>A on transcript NM_000489.6 (MANE Select); coding-DNA position 2422, C replaced by A.
Protein change: p.Arg808=; no amino-acid change (arginine 808 retained).
Molecular consequence: synonymous variant.
Genome position (GRCh38, 1-based): chrX:77,682,834, G>T on the plus strand (C>A on the coding strand, the complement: ATRX is on the minus strand). VCF-style: chrX-77682834-G-T. GRCh37 (hg19) VCF-style: chrX-76938326-G-T.
Other names: c.2308C>A, p.Arg770= (NM_138270.5).
Identifiers: ClinVar variation 1115449 (VCV001115449.10), dbSNP rs891068548, ClinGen allele CA331569021.